The following is an entry in ClinVar:

NM_002353.2(TACSTD2):c.-314G>A

Gene: TACSTD2 (tumor associated calcium signal transducer 2; minus strand). Cytogenetic location: 1p32.1.
Variant type: single nucleotide variant.
Coding change: c.-314G>A on transcript NM_002353.2; 314 bases upstream of the start codon, G replaced by A.
Genome position (GRCh38, 1-based): chr1:58,577,470, C>T on the plus strand (G>A on the coding strand, the complement: TACSTD2 is on the minus strand). VCF-style: chr1-58577470-C-T. GRCh37 (hg19) VCF-style: chr1-59043142-C-T.
Identifiers: ClinVar variation 297780 (VCV000297780.7), dbSNP rs546965754, ClinGen allele CA10610565.

ClinVar aggregate classification (germline): Likely benign (1 of 4 stars; one submission).

Conditions:
Gelatinous droplike corneal dystrophy (GDLD). Also called: AMYLOID CORNEAL DYSTROPHY, JAPANESE TYPE. Identifiers: Orphanet 98957, MedGen C0339273, MONDO:0008777, OMIM 204870.

Allele frequency attached by ClinVar (database versions not stated): gnomAD exomes 0.00036; 1000 Genomes Project 30x 0.00047; gnomAD 0.00030; TOPMed 0.00032; 1000 Genomes Project 0.00060.

Submission:

Illumina Laboratory Services, Illumina
Classification: Likely benign for Gelatinous droplike corneal dystrophy. Last evaluated: 2018-01-13. Review status: criteria provided, single submitter. Criteria: ICSL Variant Classification Criteria 13 December 2019. Collection method: clinical testing. Allele origin: germline.
Comment: This variant was observed in the ICSL laboratory as part of a predisposition screen in an ostensibly healthy population. It had not been previously curated by ICSL or reported in the Human Gene Mutation Database (HGMD: prior to June 1st, 2018), and was therefore a candidate for classification through an automated scoring system. Utilizing variant allele frequency, disease prevalence and penetrance estimates, and inheritance mode, an automated score was calculated to assess if this variant is too frequent to cause the disease. Based on the score and internal cut-off values, a variant classified as likely benign is not then subjected to further curation. The score for this variant resulted in a classification of likely benign for this disease.